The following is an entry in ClinVar:

NM_001875.5(CPS1):c.2687+1G>T

Gene: CPS1 (carbamoyl-phosphate synthase 1; plus strand). Cytogenetic location: 2q34.
Variant type: single nucleotide variant.
Coding change: c.2687+1G>T on transcript NM_001875.5 (MANE Select); the canonical splice donor site of the intron after coding-DNA position 2687, G replaced by T.
Molecular consequence: splice donor variant.
Genome position (GRCh38, 1-based): chr2:210,616,542, G>T. VCF-style: chr2-210616542-G-T. GRCh37 (hg19) VCF-style: chr2-211481266-G-T.
Other names: c.2687+1G>T (NM_001369257.1, NM_001122633.3); c.2720+1G>T (NM_001369256.1).
Identifiers: ClinVar variation 5004648 (VCV005004648.1).
Genomic context (GRCh38, chr2:210,616,542, plus strand): 5'-GTTTTTGTATAAGATGCGTGATATTTTAAACATGGAAAAGACACTGAAAGGCCTCAACAG[G>T]TAAGGCAGTGCTGCTCTCATTCATGCCAGACACCTTCAGTGCAATTTTTAAAGAGTCTTC-3'

ClinVar aggregate classification (germline): Likely pathogenic (1 of 4 stars; one submission).

Conditions:
Congenital hyperammonemia, type I. Also called: Carbamoyl phosphate synthetase I deficiency disease; CPS I DEFICIENCY; Carbamoyl-phosphate synthase I deficiency; Carbamoyl phosphate synthetase 1 deficiency; Hyperammonemia due to carbamoyl phosphate synthetase 1 deficiency; CPS 1 deficiency. Identifiers: Orphanet 147, MedGen C4082171, MONDO:0009376, OMIM 237300.

Submission:

Myriad Genetics, Inc.
Classification: Likely pathogenic for Congenital hyperammonemia, type I. Last evaluated: 2026-05-06. Review status: criteria provided, single submitter. Criteria: Myriad Autosomal Dominant, Autosomal Recessive and X-Linked Classification Criteria (2023). Collection method: clinical testing. Allele origin: unknown.
Comment: NM_001875.4(CPS1):c.2687+1G>T is a variant in a canonical splice site classified as likely pathogenic in the context of carbamoylphosphate synthetase I deficiency. c.2687+1G>T has not been observed in cases with relevant disease. Relevant functional assessments of this variant are not available in the literature. c.2687+1G>T has not been observed in referenced population frequency databases. In summary, NM_001875.4(CPS1):c.2687+1G>T is a variant in a canonical splice site in a gene where loss of function is a known mechanism of disease and is predicted to disrupt protein function. Please note: this variant was assessed in the context of healthy population screening.